The following is an entry in ClinVar:

ClinVar aggregate classification (germline): Uncertain significance. Review status: criteria provided, multiple submitters, no conflicts (2 of 4 stars). 2 submissions from 2 submitters: Uncertain significance (2). Last evaluated 2024-02-07.

Conditions:
Autosomal dominant Parkinson disease 8. Also called: LRRK2-Related Parkinson Disease; Parkinson disease 8; Parkinson disease 8, susceptibility to. Identifiers: Orphanet 411602, MedGen C1846862, MONDO:0011764, OMIM 607060.

Allele frequency attached by ClinVar (database versions not stated): gnomAD exomes 0.00002 and 0.00003; gnomAD 0.00003; TOPMed 0.00003.
gnomAD v4.1: 54 of 1,613,606 alleles (0.0033%); highest among the groups gnomAD compares: Non-Finnish European, 0.0042%; no homozygotes.

Submissions (2):

Fulgent Genetics
Classification: Uncertain significance for Autosomal dominant Parkinson disease 8. Last evaluated: 2024-02-07. Review status: criteria provided, single submitter. Criteria: ACMG Guidelines, 2015. Collection method: clinical testing. Allele origin: germline.

Labcorp Genetics (formerly Invitae), Labcorp
Classification: Uncertain significance for Autosomal dominant Parkinson disease 8. Last evaluated: 2022-09-13. Review status: criteria provided, single submitter. Criteria: Invitae Variant Classification Sherloc (09022015). Collection method: clinical testing. Allele origin: germline.
Comment: This sequence change replaces valine, which is neutral and non-polar, with leucine, which is neutral and non-polar, at codon 176 of the LRRK2 protein (p.Val176Leu). This variant is present in population databases (rs200861326, gnomAD 0.003%). This variant has not been reported in the literature in individuals affected with LRRK2-related conditions. ClinVar contains an entry for this variant (Variation ID: 1360508). Algorithms developed to predict the effect of missense changes on protein structure and function (SIFT, PolyPhen-2, Align-GVGD) all suggest that this variant is likely to be tolerated. In summary, the available evidence is currently insufficient to determine the role of this variant in disease. Therefore, it has been classified as a Variant of Uncertain Significance.

NM_198578.4(LRRK2):c.526G>C (p.Val176Leu)

Gene: LRRK2 (leucine rich repeat kinase 2; plus strand). Cytogenetic location: 12q12.
Variant type: single nucleotide variant.
Coding change: c.526G>C on transcript NM_198578.4 (MANE Select); coding-DNA position 526, G replaced by C.
Protein change: p.Val176Leu; replaces valine 176 with leucine.
Molecular consequence: missense variant.
Genome position (GRCh38, 1-based): chr12:40,238,058, G>C. VCF-style: chr12-40238058-G-C. GRCh37 (hg19) VCF-style: chr12-40631860-G-C.
Other names: short protein forms V176L.
Identifiers: ClinVar variation 1360508 (VCV001360508.7), dbSNP rs200861326, ClinGen allele CA235352034.